The following is an entry in ClinVar:

ClinVar aggregate classification (germline): Uncertain significance. Review status: criteria provided, multiple submitters, no conflicts (2 of 4 stars). 2 submissions from 2 submitters: Uncertain significance (2). Last evaluated 2025-12-16.

Conditions:
Inborn genetic diseases. Identifiers: MedGen C0950123, MeSH D030342.
Aortic valve disease 2 (AOVD2). Identifiers: MedGen C3542024, MONDO:0013902, OMIM 614823.

gnomAD v4.1: 3 of 1,608,790 alleles (0.00019%); highest among the groups gnomAD compares: Middle Eastern, 0.017%; no homozygotes.

Submissions (2):

Labcorp Genetics (formerly Invitae), Labcorp
Classification: Uncertain significance for Aortic valve disease 2. Last evaluated: 2025-12-16. Review status: criteria provided, single submitter. Criteria: Invitae Variant Classification Sherloc (09022015). Collection method: clinical testing. Allele origin: germline.
Comment: This sequence change replaces glutamine, which is neutral and polar, with arginine, which is basic and polar, at codon 362 of the SMAD6 protein (p.Gln362Arg). This variant is not present in population databases (gnomAD no frequency). This variant has not been reported in the literature in individuals affected with SMAD6-related conditions. ClinVar contains an entry for this variant (Variation ID: 3320654). Invitae Evidence Modeling of protein sequence and biophysical properties (such as structural, functional, and spatial information, amino acid conservation, physicochemical variation, residue mobility, and thermodynamic stability) indicates that this missense variant is not expected to disrupt SMAD6 protein function with a negative predictive value of 80%. In summary, the available evidence is currently insufficient to determine the role of this variant in disease. Therefore, it has been classified as a Variant of Uncertain Significance.

Ambry Genetics
Classification: Uncertain significance for Inborn genetic diseases. Last evaluated: 2024-05-26. Review status: criteria provided, single submitter. Criteria: Ambry Variant Classification Scheme 2023. Collection method: clinical testing. Allele origin: germline.

NM_005585.5(SMAD6):c.1085A>G (p.Gln362Arg)

Gene: SMAD6 (SMAD family member 6; plus strand). Cytogenetic location: 15q22.31.
Variant type: single nucleotide variant.
Coding change: c.1085A>G on transcript NM_005585.5 (MANE Select); coding-DNA position 1085, A replaced by G.
Protein change: p.Gln362Arg; replaces glutamine 362 with arginine.
Molecular consequence: missense variant. On other transcripts: non-coding transcript variant (1).
Genome position (GRCh38, 1-based): chr15:66,781,129, A>G. VCF-style: chr15-66781129-A-G. GRCh37 (hg19) VCF-style: chr15-67073467-A-G.
Other names: short protein forms Q362R.
Identifiers: ClinVar variation 3320654 (VCV003320654.2).